The following is an entry in ClinVar:

NM_005068.3(SIM1):c.1453G>T (p.Gly485Trp)

Genes: SIM1 (SIM bHLH transcription factor 1; minus strand), SIM1-AS1 (SIM1 antisense RNA 1; plus strand). Cytogenetic location: 6q16.3.
Variant type: single nucleotide variant.
Coding change: c.1453G>T on transcript NM_005068.3 (MANE Select); coding-DNA position 1453, G replaced by T.
Protein change: p.Gly485Trp; replaces glycine 485 with tryptophan.
Molecular consequence: missense variant. On other transcripts: non-coding transcript variant (1).
Genome position (GRCh38, 1-based): chr6:100,393,604, C>A on the plus strand (G>T on the coding strand, the complement: SIM1 is on the minus strand). VCF-style: chr6-100393604-C-A. GRCh37 (hg19) VCF-style: chr6-100841480-C-A.
Other names: c.1453G>T, p.Gly485Trp (NM_001374769.1); short protein forms G485W.
Identifiers: ClinVar variation 3356067 (VCV003356067.2).

ClinVar aggregate classification (germline): Uncertain significance (1 of 4 stars; one submission).

Conditions:
SIM1-related disorder. Also called: SIM1-related disorders; SIM1-related condition.

gnomAD v4.1: 2 of 1,613,940 alleles (0.00012%); highest among the groups gnomAD compares: Admixed American, 0.0017%; no homozygotes.

Submission:

PreventionGenetics, part of Exact Sciences
Classification: Uncertain significance for SIM1-related condition. Last evaluated: 2026-08-31. Review status: criteria provided, single submitter. Criteria: ACMG Guidelines, 2015. Collection method: clinical testing. Allele origin: germline.
Comment: The SIM1 c.1453G>T variant is predicted to result in the amino acid substitution p.Gly485Trp. To our knowledge, this variant has not been reported in the literature or in a large population database, indicating this variant is rare. At this time, the clinical significance of this variant is uncertain due to the absence of conclusive functional and genetic evidence.